The following is an entry in ClinVar:

ClinVar aggregate classification (germline): Conflicting classifications of pathogenicity. Review status: criteria provided, conflicting classifications (1 of 4 stars). 2 submissions from 2 submitters: Likely pathogenic (1); Uncertain significance (1). Last evaluated 2025-04-27.

Conditions:
Leigh syndrome (NULS). Also called: Leigh Disease; Subacute necrotizing encephalopathy; Necrotizing encephalopathy infantile subacute of Leigh; Leigh's necrotizing encephalopathy; Leigh's disease; Leigh's syndrome. Identifiers: Orphanet 506, MedGen C2931891, MONDO:0009723, OMIM 256000.

Allele frequency attached by ClinVar (database versions not stated): ExAC 0.00001; gnomAD exomes 0.00001 and 0.00002; gnomAD 0.00002; TOPMed 0.00003; 1000 Genomes Project 30x 0.00016; 1000 Genomes Project 0.00020.

Submissions (2):

Labcorp Genetics (formerly Invitae), Labcorp
Classification: Uncertain significance. Last evaluated: 2025-04-27. Review status: criteria provided, single submitter. Criteria: Invitae Variant Classification Sherloc (09022015). Collection method: clinical testing. Allele origin: germline.
Comment: This sequence change replaces methionine, which is neutral and non-polar, with valine, which is neutral and non-polar, at codon 188 of the NDUFAF5 protein (p.Met188Val). This variant is present in population databases (rs200756131, gnomAD 0.01%). This missense change has been observed in individual(s) with clinical features of mitochondrial complex I deficiency (PMID: 32348839). ClinVar contains an entry for this variant (Variation ID: 972923). Invitae Evidence Modeling of protein sequence and biophysical properties (such as structural, functional, and spatial information, amino acid conservation, physicochemical variation, residue mobility, and thermodynamic stability) indicates that this missense variant is not expected to disrupt NDUFAF5 protein function with a negative predictive value of 95%. In summary, the available evidence is currently insufficient to determine the role of this variant in disease. Therefore, it has been classified as a Variant of Uncertain Significance.

The Molecular Genetic and Pathologic Diagnosis Center of Neuromuscular Disorder, Children's Hospital of Fudan University
Classification: Likely pathogenic for Leigh syndrome. Last evaluated: 2019-12-01. Review status: criteria provided, single submitter. Criteria: ACMG Guidelines, 2015. Collection method: clinical testing. Allele origin: germline. Affected: yes.

Literature cited by the submitters: PubMed 32348839 (cited by Labcorp Genetics (formerly Invitae), Labcorp).

NM_024120.5(NDUFAF5):c.562A>G (p.Met188Val)

Gene: NDUFAF5 (NADH:ubiquinone oxidoreductase complex assembly factor 5; plus strand). Cytogenetic location: 20p12.1.
Variant type: single nucleotide variant.
Coding change: c.562A>G on transcript NM_024120.5 (MANE Select); coding-DNA position 562, A replaced by G.
Protein change: p.Met188Val; replaces methionine 188 with valine.
Molecular consequence: missense variant. On other transcripts: initiator codon variant (2), non-coding transcript variant (7).
Genome position (GRCh38, 1-based): chr20:13,801,528, A>G. VCF-style: chr20-13801528-A-G. GRCh37 (hg19) VCF-style: chr20-13782174-A-G.
Other names: c.478A>G, p.Met160Val (NM_001039375.3); c.91A>G, p.Met31Val (NM_001352403.2); c.1A>G, p.Met1Val (NM_001352406.2, NM_001352407.2); c.562A>G, p.Met188Val (NM_001352408.2); short protein forms M1V, M31V, M188V, M160V.
Identifiers: ClinVar variation 972923 (VCV000972923.3), dbSNP rs200756131, ClinGen allele CA9767811.